The following is an entry in ClinVar:

ClinVar aggregate classification (germline): Likely benign. Review status: criteria provided, multiple submitters, no conflicts (2 of 4 stars). 5 submissions from 5 submitters: Likely benign (5). Last evaluated 2025-10-26.

Conditions:
Familial thoracic aortic aneurysm and aortic dissection (TAAD). Also called: Thoracic aortic aneurysms and dissections. Identifiers: Orphanet 91387, MedGen C4707243, MONDO:0019625.
Ehlers-Danlos syndrome, classic type, 1 (EDSCL1). Also called: EHLERS-DANLOS SYNDROME, GRAVIS TYPE; EHLERS-DANLOS SYNDROME, SEVERE CLASSIC TYPE; Ehlers-Danlos syndrome, type 1; Ehlers-Danlos Syndrome, Classic Type, COL5A1-Related; EDS I. Identifiers: MedGen C0268335, MONDO:0019567, OMIM 130000.

Allele frequency attached by ClinVar (database versions not stated): ExAC 0.00001; gnomAD 0.00001; TOPMed 0.00001; gnomAD exomes 0.00002.
gnomAD v4.1: 32 of 1,614,040 alleles (0.002%); highest among the groups gnomAD compares: South Asian, 0.0044%; no homozygotes.

Submissions (5):

Labcorp Genetics (formerly Invitae), Labcorp
Classification: Likely benign for Ehlers-Danlos syndrome, classic type, 1. Last evaluated: 2025-10-26. Review status: criteria provided, single submitter. Criteria: Invitae Variant Classification Sherloc (09022015). Collection method: clinical testing. Allele origin: germline.

Ambry Genetics
Classification: Likely benign for Familial thoracic aortic aneurysm and aortic dissection. Last evaluated: 2024-07-14. Review status: criteria provided, single submitter. Criteria: Ambry Variant Classification Scheme 2023. Collection method: clinical testing. Allele origin: germline.

Women's Health and Genetics/Laboratory Corporation of America, LabCorp
Classification: Likely benign. Last evaluated: 2023-07-21. Review status: criteria provided, single submitter. Criteria: LabCorp Variant Classification Summary - May 2015. Collection method: clinical testing. Allele origin: germline.

Blueprint Genetics
Classification: Likely benign. Last evaluated: 2019-05-15. Review status: criteria provided, single submitter. Criteria: ACMG Guidelines, 2015. Collection method: clinical testing. Allele origin: germline.

GeneDx
Classification: Likely benign. Last evaluated: 2018-06-08. Review status: criteria provided, single submitter. Criteria: GeneDx Variant Classification (06012015). Collection method: clinical testing. Allele origin: germline. Affected: yes.
Comment: This variant is considered likely benign or benign based on one or more of the following criteria: it is a conservative change, it occurs at a poorly conserved position in the protein, it is predicted to be benign by multiple in silico algorithms, and/or has population frequency not consistent with disease.

NM_000093.5(COL5A1):c.849C>T (p.Pro283=)

Gene: COL5A1 (collagen type V alpha 1 chain; plus strand). Cytogenetic location: 9q34.3.
Variant type: single nucleotide variant.
Coding change: c.849C>T on transcript NM_000093.5 (MANE Select); coding-DNA position 849, C replaced by T.
Protein change: p.Pro283=; no amino-acid change (proline 283 retained).
Molecular consequence: synonymous variant.
Genome position (GRCh38, 1-based): chr9:134,728,732, C>T. VCF-style: chr9-134728732-C-T. GRCh37 (hg19) VCF-style: chr9-137620578-C-T.
Other names: c.849C>T, p.Pro283= (NM_001278074.1); c.849C>T (NM_000093.4).
Identifiers: ClinVar variation 671727 (VCV000671727.14), dbSNP rs761805821, ClinGen allele CA5318555.